The following is an entry in ClinVar:

ClinVar aggregate classification (germline): Uncertain significance (1 of 4 stars; one submission).

Allele frequency attached by ClinVar (database versions not stated): TOPMed below 0.00001; gnomAD exomes 0.00001.
gnomAD v4.1: 17 of 1,575,104 alleles (0.0011%); highest among the groups gnomAD compares: East Asian, 0.0023%; no homozygotes.

Submission:

Labcorp Genetics (formerly Invitae), Labcorp
Classification: Uncertain significance. Last evaluated: 2025-10-19. Review status: criteria provided, single submitter. Criteria: Invitae Variant Classification Sherloc (09022015). Collection method: clinical testing. Allele origin: germline.
Comment: This sequence change replaces arginine, which is basic and polar, with glutamine, which is neutral and polar, at codon 255 of the GATA5 protein (p.Arg255Gln). The frequency data for this variant in the population databases is considered unreliable, as metrics indicate poor data quality at this position in the gnomAD database. This variant has not been reported in the literature in individuals affected with GATA5-related conditions. ClinVar contains an entry for this variant (Variation ID: 1371965). Invitae Evidence Modeling of protein sequence and biophysical properties (such as structural, functional, and spatial information, amino acid conservation, physicochemical variation, residue mobility, and thermodynamic stability) indicates that this missense variant is expected to disrupt GATA5 protein function with a positive predictive value of 80%. In summary, the available evidence is currently insufficient to determine the role of this variant in disease. Therefore, it has been classified as a Variant of Uncertain Significance.

NM_080473.5(GATA5):c.764G>A (p.Arg255Gln)

Gene: GATA5 (GATA binding protein 5; minus strand). Cytogenetic location: 20q13.33.
Variant type: single nucleotide variant.
Coding change: c.764G>A on transcript NM_080473.5 (MANE Select); coding-DNA position 764, G replaced by A.
Protein change: p.Arg255Gln; replaces arginine 255 with glutamine.
Molecular consequence: missense variant.
Genome position (GRCh38, 1-based): chr20:62,466,487, C>T on the plus strand (G>A on the coding strand, the complement: GATA5 is on the minus strand). VCF-style: chr20-62466487-C-T. GRCh37 (hg19) VCF-style: chr20-61041543-C-T.
Other names: short protein forms R255Q.
Identifiers: ClinVar variation 1371965 (VCV001371965.6), dbSNP rs868951707, ClinGen allele CA409553950.